The following is an entry in ClinVar:

NM_152618.3(BBS12):c.817G>A (p.Val273Ile)

Gene: BBS12 (Bardet-Biedl syndrome 12; plus strand). Cytogenetic location: 4q27.
Variant type: single nucleotide variant.
Coding change: c.817G>A on transcript NM_152618.3 (MANE Select); coding-DNA position 817, G replaced by A.
Protein change: p.Val273Ile; replaces valine 273 with isoleucine.
Molecular consequence: missense variant.
Genome position (GRCh38, 1-based): chr4:122,742,709, G>A. VCF-style: chr4-122742709-G-A. GRCh37 (hg19) VCF-style: chr4-123663864-G-A.
Other names: c.817G>A, p.Val273Ile (NM_001178007.2); short protein forms V273I.
Identifiers: ClinVar variation 3347478 (VCV003347478.1).

ClinVar aggregate classification (germline): Uncertain significance (0 of 4 stars; one submission).

Conditions:
BBS12-related disorder. Also called: BBS12-related condition.

Submission:

PreventionGenetics, part of Exact Sciences
Classification: Uncertain significance for BBS12-related condition. Last evaluated: 2024-04-30. Review status: no assertion criteria provided. Collection method: clinical testing. Allele origin: germline.
Comment: The BBS12 c.817G>A variant is predicted to result in the amino acid substitution p.Val273Ile. To our knowledge, this variant has not been reported in the literature or in a large population database, indicating this variant is rare. At this time, the clinical significance of this variant is uncertain due to the absence of conclusive functional and genetic evidence.